The following is an entry in ClinVar:

ClinVar aggregate classification (germline): Uncertain significance. Review status: criteria provided, multiple submitters, no conflicts (2 of 4 stars). 2 submissions from 2 submitters: Uncertain significance (2). Last evaluated 2023-05-31.

Conditions:
Familial thoracic aortic aneurysm and aortic dissection (TAAD). Also called: Thoracic aortic aneurysms and dissections. Identifiers: Orphanet 91387, MedGen C4707243, MONDO:0019625.
Aortic aneurysm, familial thoracic 4 (AAT4). Also called: AORTIC ANEURYSM/AORTIC DISSECTION AND PATENT DUCTUS ARTERIOSUS. Identifiers: MedGen C1851504, MONDO:0007568, OMIM 132900.

gnomAD v4.1: 1 of 1,614,220 alleles (0.000062%); highest among the groups gnomAD compares: Non-Finnish European, 0.000085%; no homozygotes.

Submissions (2):

All of Us Research Program, National Institutes of Health
Classification: Uncertain significance for Familial thoracic aortic aneurysm and aortic dissection. Last evaluated: 2023-05-31. Review status: criteria provided, single submitter. Criteria: ACMG Guidelines, 2015. Collection method: clinical testing. Allele origin: germline. Inheritance: Autosomal dominant inheritance. Observed: 1 variant allele, 1 heterozygote.
Comment: This study involves interpretation of variants in research participants for the purpose of population health screening. Participant phenotype was not available at the time of variant classification. Additional details can be found in publication PMID: 35346344, PMCID: PMC8962531

Illumina Laboratory Services, Illumina
Classification: Uncertain significance for Aortic aneurysm, familial thoracic 4. Last evaluated: 2018-01-13. Review status: criteria provided, single submitter. Criteria: ICSL Variant Classification Criteria 13 December 2019. Collection method: clinical testing. Allele origin: germline.

NM_002474.3(MYH11):c.5427G>C (p.Lys1809Asn)

Genes: MYH11 (myosin heavy chain 11; minus strand), NDE1 (nudE neurodevelopment protein 1; plus strand). Cytogenetic location: 16p13.11.
Variant type: single nucleotide variant.
Coding change: c.5427G>C on transcript NM_002474.3 (MANE Select); coding-DNA position 5427, G replaced by C.
Protein change: p.Lys1809Asn; replaces lysine 1809 with asparagine.
Molecular consequence: missense variant. On other transcripts: intron variant (2).
Genome position (GRCh38, 1-based): chr16:15,717,217, C>G on the plus strand (G>C on the coding strand, the complement: MYH11 is on the minus strand). VCF-style: chr16-15717217-C-G. GRCh37 (hg19) VCF-style: chr16-15811074-C-G.
Other names: c.5448G>C, p.Lys1816Asn (NM_001040113.2, NM_001040114.2); c.5427G>C, p.Lys1809Asn (NM_022844.3); c.948-6974C>G (NM_001143979.2, NM_017668.3); short protein forms K1809N, K1816N.
Identifiers: ClinVar variation 318093 (VCV000318093.7), dbSNP rs886051738, ClinGen allele CA10647931.